The following is an entry in ClinVar:

ClinVar aggregate classification (germline): Uncertain significance (1 of 4 stars; one submission).

Conditions:
Cardiovascular phenotype. Identifiers: MedGen CN230736.

Submission:

Ambry Genetics
Classification: Uncertain significance for Cardiovascular phenotype. Last evaluated: 2025-11-26. Review status: criteria provided, single submitter. Criteria: Ambry Variant Classification Scheme 2023. Collection method: clinical testing. Allele origin: germline.
Comment: The c.1542_1558del17insTGGGGTC variant, located in coding exon 17 of the TXNRD2 gene, results from the deletion of 17 nucleotides and insertion of 7 nucleotides causing a translational frameshift with a predicted alternate stop codon (p.L515Gfs*94). The evidence for this gene-disease relationship is limited; therefore, the clinical significance of this alteration is unclear.

NM_006440.5(TXNRD2):c.1542_1558delinsTGGGGTC (p.Leu515fs)

Gene: TXNRD2 (thioredoxin reductase 2; minus strand). Cytogenetic location: 22q11.21.
Variant type: Indel.
Coding change: c.1542_1558delinsTGGGGTC on transcript NM_006440.5 (MANE Select); coding-DNA positions 1542 to 1558, CCTGGACCCCACGGTGA replaced by TGGGGTC.
Protein change: p.Leu515fs; shifts the reading frame from leucine 515.
Molecular consequence: frameshift variant. On other transcripts: non-coding transcript variant (1).
Genome position (GRCh38, 1-based): chr22:19,877,122-19,877,138, TCACCGTGGGGTCCAGG replaced by GACCCCA on the plus strand (CCTGGACCCCACGGTGA replaced by TGGGGTC on the coding strand, the reverse complement: TXNRD2 is on the minus strand). VCF-style: chr22-19877122-TCACCGTGGGGTCCAGG-GACCCCA. GRCh37 (hg19) VCF-style: chr22-19864645-TCACCGTGGGGTCCAGG-GACCCCA.
Other names: c.1539_1555delinsTGGGGTC, p.Leu514fs (NM_001352300.2); c.1452_1468delinsTGGGGTC, p.Leu485fs (NM_001352301.2); c.1254_1270delinsTGGGGTC, p.Leu419fs (NM_001352302.2); short protein forms L485fs, L515fs, L514fs, L419fs.
Identifiers: ClinVar variation 4615397 (VCV004615397.1).
Genomic context (GRCh38, chr22:19,877,122, plus strand): 5'-TGGCGGCGGGCGCACCGTGTGCCCTGGCCTGCAGGGATGGCGCTTACCCTCAGCAGCCTG[TCACCGTGGGGTCCAGG>GACCCCA]CCTGAGCGCTTGGAGATGCGCAGCTTGACTACCTCCTCAGAGCATGTGGGATGGATACCC-3'